The following is an entry in ClinVar:

ClinVar aggregate classification (germline): Uncertain significance (1 of 4 stars; one submission).

Conditions:
Marfan syndrome (MFS). Also called: FBN1-Related Marfan Syndrome; MARFAN SYNDROME, TYPE I; Marfan syndrome type 1; Marfan's syndrome; Marfan syndrome, classic. Identifiers: Orphanet 284963, Orphanet 558, MedGen C0024796, MONDO:0007947, OMIM 154700.
Familial thoracic aortic aneurysm and aortic dissection (TAAD). Also called: Thoracic aortic aneurysms and dissections. Identifiers: Orphanet 91387, MedGen C4707243, MONDO:0019625.

Allele frequency attached by ClinVar (database versions not stated): gnomAD exomes below 0.00001.
gnomAD v4.1: 3 of 1,614,164 alleles (0.00019%); highest among the groups gnomAD compares: Non-Finnish European, 0.00025%; no homozygotes.

Submission:

Labcorp Genetics (formerly Invitae), Labcorp
Classification: Uncertain significance for Marfan syndrome; Familial thoracic aortic aneurysm and aortic dissection. Last evaluated: 2024-07-24. Review status: criteria provided, single submitter. Criteria: Invitae Variant Classification Sherloc (09022015). Collection method: clinical testing. Allele origin: germline.
Comment: This sequence change replaces methionine, which is neutral and non-polar, with valine, which is neutral and non-polar, at codon 998 of the FBN1 protein (p.Met998Val). This variant is not present in population databases (gnomAD no frequency). This missense change has been observed in individual(s) with FBN1-related conditions (PMID: 10533071; Invitae). ClinVar contains an entry for this variant (Variation ID: 1043585). Advanced modeling of protein sequence and biophysical properties (such as structural, functional, and spatial information, amino acid conservation, physicochemical variation, residue mobility, and thermodynamic stability) performed at Invitae indicates that this missense variant is not expected to disrupt FBN1 protein function with a negative predictive value of 95%. In summary, the available evidence is currently insufficient to determine the role of this variant in disease. Therefore, it has been classified as a Variant of Uncertain Significance.

Literature cited by the submitters: PubMed 10533071.

NM_000138.5(FBN1):c.2992A>G (p.Met998Val)

Gene: FBN1 (fibrillin 1; minus strand). Cytogenetic location: 15q21.1.
Variant type: single nucleotide variant.
Coding change: c.2992A>G on transcript NM_000138.5 (MANE Select); coding-DNA position 2992, A replaced by G.
Protein change: p.Met998Val; replaces methionine 998 with valine.
Molecular consequence: missense variant.
Genome position (GRCh38, 1-based): chr15:48,489,941, T>C on the plus strand (A>G on the coding strand, the complement: FBN1 is on the minus strand). VCF-style: chr15-48489941-T-C. GRCh37 (hg19) VCF-style: chr15-48782138-T-C.
Other names: short protein forms M998V.
Identifiers: ClinVar variation 1043585 (VCV001043585.8), dbSNP rs750727783, ClinGen allele CA392329178.